The following is an entry in ClinVar:

ClinVar aggregate classification (germline): Conflicting classifications of pathogenicity. Review status: criteria provided, conflicting classifications (1 of 4 stars). 8 submissions from 8 submitters: Uncertain significance (2); Likely benign (5). 1 of the submissions does not count toward it. Last evaluated 2026-02-03.

Conditions:
Birt-Hogg-Dube syndrome 1 (BHD1). Also called: FIBROFOLLICULOMAS WITH TRICHODISCOMAS AND ACROCHORDONS. Identifiers: Orphanet 122, MedGen CN375946, MONDO:0800445, OMIM 135150.
FLCN-related disorder. Also called: FLCN-related condition.
Hereditary cancer-predisposing syndrome. Also called: Neoplastic Syndromes, Hereditary; Tumor predisposition; Hereditary neoplastic syndrome; Hereditary Cancer Syndrome. Identifiers: Orphanet 140162, MedGen C0027672, MeSH D009386, MONDO:0015356.
Birt-Hogg-Dube syndrome. Also called: Birt Hogg Dubé syndrome. Identifiers: Orphanet 122, MedGen C0346010, MONDO:0800444.

Allele frequency attached by ClinVar (database versions not stated): ESP Exome Variant Server 0.00015; gnomAD 0.00029 and 0.00028; gnomAD exomes 0.00001 and 0.00005; TOPMed 0.00024; ExAC 0.00003.

Submissions (8):

Labcorp Genetics (formerly Invitae), Labcorp
Classification: Likely benign for Birt-Hogg-Dube syndrome. Last evaluated: 2026-02-03. Review status: criteria provided, single submitter. Criteria: Invitae Variant Classification Sherloc (09022015). Collection method: clinical testing. Allele origin: germline.

Quest Diagnostics Nichols Institute San Juan Capistrano
Classification: Likely benign. Last evaluated: 2025-10-01. Review status: criteria provided, single submitter. Criteria: Quest Diagnostics criteria. Collection method: clinical testing. Allele origin: unknown.

Dasa
Classification: Uncertain significance. Last evaluated: 2025-03-25. Review status: criteria provided, single submitter. Criteria: DASA Assertion Criteria. Collection method: clinical testing. Allele origin: germline.
Comment: NM_144997.7(FLCN):c.931C>T (p.Pro311Ser) is a missense variant that results in the substitution of proline with serine. This variant is rare in population databases. Computational prediction algorithms are consistent with a benign effect. The currently available literature and clinical evidence are not sufficient to establish a definitive association between this variant and the reported condition. Therefore, this variant is classified as a variant of uncertain significance.

Myriad Genetics, Inc.
Classification: Likely benign for Birt-Hogg-Dube syndrome 1. Last evaluated: 2024-08-27. Review status: criteria provided, single submitter. Criteria: Myriad Autosomal Dominant, Autosomal Recessive and X-Linked Classification Criteria (2023). Collection method: clinical testing. Allele origin: unknown.
Comment: This variant is considered likely benign. This variant has been observed at a population frequency that is significantly greater than expected given the associated disease prevalence and penetrance.

Sema4
Classification: Uncertain significance for Hereditary cancer-predisposing syndrome. Last evaluated: 2021-09-03. Review status: criteria provided, single submitter. Criteria: Sema4 Curation Guidelines. Collection method: curation. Allele origin: germline.
Comment: The FLCN c.931C>T (p.P311S) variant has not been reported in literature to our knowledge. This variant was observed in 17/24972 chromosomes in the African/African American population according to the Genome Aggregation Database (PMID: 32461654). This variant has been reported in ClinVar (Variation ID 460641). In silico tools suggest the impact of the variant on protein function is benign, though these predictions have not been confirmed by functional studies. The overall evidence is insufficient to meet ACMG/AMP criteria for classifying it as benign or pathogenic. In summary, the clinical significance of this variant is currently uncertain.

Ambry Genetics
Classification: Likely benign for Hereditary cancer-predisposing syndrome. Last evaluated: 2020-11-16. Review status: criteria provided, single submitter. Criteria: Ambry Variant Classification Scheme 2023. Collection method: clinical testing. Allele origin: germline.

GeneDx
Classification: Likely benign. Last evaluated: 2020-09-23. Review status: criteria provided, single submitter. Criteria: GeneDx Variant Classification Process June 2021. Collection method: clinical testing. Allele origin: germline. Affected: yes.

PreventionGenetics, part of Exact Sciences
Classification: Likely benign for FLCN-related condition. Last evaluated: 2022-10-17. Review status: no assertion criteria provided. Collection method: clinical testing. Allele origin: germline. Not counted in ClinVar's aggregate classification.
Comment: This variant is classified as likely benign based on ACMG/AMP sequence variant interpretation guidelines (Richards et al. 2015 PMID: 25741868, with internal and published modifications).

NM_144997.7(FLCN):c.931C>T (p.Pro311Ser)

Gene: FLCN (folliculin; minus strand). Cytogenetic location: 17p11.2.
Variant type: single nucleotide variant.
Coding change: c.931C>T on transcript NM_144997.7 (MANE Select); coding-DNA position 931, C replaced by T.
Protein change: p.Pro311Ser; replaces proline 311 with serine.
Molecular consequence: missense variant.
Genome position (GRCh38, 1-based): chr17:17,219,150, G>A on the plus strand (C>T on the coding strand, the complement: FLCN is on the minus strand). VCF-style: chr17-17219150-G-A. GRCh37 (hg19) VCF-style: chr17-17122464-G-A.
Other names: c.985C>T, p.Pro329Ser (NM_001353229.2); c.931C>T, p.Pro311Ser (NM_001353230.2, NM_001353231.2); c.931C>T (NM_144997.6, LRG_325t1); short protein forms P311S, P329S.
Identifiers: ClinVar variation 460641 (VCV000460641.24), dbSNP rs140246224, ClinGen allele CA8416193.
Genomic context (GRCh38, chr17:17,219,150, plus strand): 5'-AGGAGGACTCTGCCGGGCCCTGGGTCAGCTCCCGCCCTTCTGTACTCTCTGGCAACACAG[G>A]GGCTTTCTCCTCCTCTTCAGCCTCAGAGTTGTCCCAGCTTTCTGATTCCTCTTCTAAATC-3'
Protein context (NP_659434.2, residues 301-321): NSEAEEEEKA[Pro311Ser]VLPESTEGRE